The following is an entry in ClinVar:

ClinVar aggregate classification (germline): Uncertain significance (1 of 4 stars; one submission).

Submission:

GeneDx
Classification: Uncertain significance. Last evaluated: 2023-12-18. Review status: criteria provided, single submitter. Criteria: GeneDx Variant Classification Process June 2021. Collection method: clinical testing. Allele origin: germline. Affected: yes.
Comment: Reported as a de novo variant in a patient with Ewing sarcoma, intellectual disability, and autism spectrum disorder; however, this patient lacked typical features of Coffin-Siris syndrome (PMID: 37507557); In silico analysis supports that this missense variant has a deleterious effect on protein structure/function; Not observed at significant frequency in large population cohorts (gnomAD); This variant is associated with the following publications: (PMID: 37507557)

NM_001374828.1(ARID1B):c.7097T>C (p.Leu2366Pro)

Gene: ARID1B (AT-rich interaction domain 1B; plus strand). Cytogenetic location: 6q25.3.
Variant type: single nucleotide variant.
Coding change: c.7097T>C on transcript NM_001374828.1 (MANE Select); coding-DNA position 7097, T replaced by C.
Protein change: p.Leu2366Pro; replaces leucine 2366 with proline.
Molecular consequence: missense variant.
Genome position (GRCh38, 1-based): chr6:157,207,869, T>C. VCF-style: chr6-157207869-T-C. GRCh37 (hg19) VCF-style: chr6-157529003-T-C.
Other names: c.4598T>C, p.Leu1533Pro (NM_001363725.2); c.6977T>C, p.Leu2326Pro (NM_001371656.1, NM_001374820.1); c.6938T>C, p.Leu2313Pro (NM_017519.3); c.6728T>C (NM_020732.3); short protein forms L1533P, L2313P, L2326P, L2366P.
Identifiers: ClinVar variation 3365766 (VCV003365766.1).
Genomic context (GRCh38, chr6:157,207,869, plus strand): 5'-TGGATATCTCGATATCAGCTGTCCTGAACTCTCTGGTTGCATCTGTCATCTGTGATGTAC[T>C]GTTTCAGATTGGGCAGTTATGACATAAGTGAGAAGGCAAGCATGTGTGAGTGAAGATTAG-3'
Protein context (NP_001361757.1, residues 2356-2372): SLVASVICDV[Leu2366Pro]FQIGQL